The following is an entry in ClinVar:

NM_000135.4(FANCA):c.135A>G (p.Glu45=)

Gene: FANCA (FA complementation group A; minus strand). Cytogenetic location: 16q24.3.
Variant type: single nucleotide variant.
Coding change: c.135A>G on transcript NM_000135.4 (MANE Select); coding-DNA position 135, A replaced by G.
Protein change: p.Glu45=; no amino-acid change (glutamic acid 45 retained).
Molecular consequence: synonymous variant.
Genome position (GRCh38, 1-based): chr16:89,815,931, T>C on the plus strand (A>G on the coding strand, the complement: FANCA is on the minus strand). VCF-style: chr16-89815931-T-C. GRCh37 (hg19) VCF-style: chr16-89882339-T-C.
Other names: c.135A>G (NM_000135.3); c.135A>G, p.Glu45= (NM_001018112.3, NM_001286167.3, NM_001351830.2).
Identifiers: ClinVar variation 700051 (VCV000700051.13), dbSNP rs141820040, ClinGen allele CA8253160.
Genomic context (GRCh38, chr16:89,815,931, plus strand): 5'-TCTTACCTCAAGCAAAAGGGCATTCAGGTCCTGATGGCTTCGCAGGAGGCGCACAGCTGA[T>C]TCCTTTAATTTCTGTGCCCTTTCAGGATTATATTTTTCCCTCTTGACCCTTCCCGCTACG-3'
Protein context (NP_000126.2, residues 35-55): YNPERAQKLK[Glu45=]SAVRLLRSHQ

ClinVar aggregate classification (germline): Likely benign. Review status: criteria provided, multiple submitters, no conflicts (2 of 4 stars). 4 submissions from 4 submitters: Likely benign (4). Last evaluated 2026-04-01.

Conditions:
Fanconi anemia (FA). Also called: Fanconi's anemia. Identifiers: Orphanet 84, MedGen C0015625, MeSH D005199, MONDO:0019391.

Allele frequency attached by ClinVar (database versions not stated): ExAC 0.00002; gnomAD 0.00002 and 0.00003; gnomAD exomes 0.00003 and 0.00006; TOPMed 0.00004; ESP Exome Variant Server 0.00008.
gnomAD v4.1: 93 of 1,614,036 alleles (0.0058%); highest among the groups gnomAD compares: Non-Finnish European, 0.0075%; no homozygotes.

Submissions (4):

CeGaT Center for Human Genetics Tuebingen
Classification: Likely benign. Last evaluated: 2026-04-01. Review status: criteria provided, single submitter. Criteria: CeGaT Center For Human Genetics Tuebingen Variant Classification Criteria Version 2. Collection method: clinical testing. Allele origin: germline. Affected: yes. Observed: 1 variant allele.
Comment: FANCA: BP4, BP7

Labcorp Genetics (formerly Invitae), Labcorp
Classification: Likely benign for Fanconi anemia. Last evaluated: 2025-10-11. Review status: criteria provided, single submitter. Criteria: Invitae Variant Classification Sherloc (09022015). Collection method: clinical testing. Allele origin: germline.

Quest Diagnostics Nichols Institute San Juan Capistrano
Classification: Likely benign. Last evaluated: 2023-04-26. Review status: criteria provided, single submitter. Criteria: Quest Diagnostics criteria. Collection method: clinical testing. Allele origin: unknown.

Breakthrough Genomics
Classification: Likely benign. Review status: criteria provided, single submitter. Criteria: ACMG Guidelines, 2015. Collection method: not provided. Allele origin: germline. Inheritance: Autosomal recessive inheritance. Affected: yes.